The following is an entry in ClinVar:

ClinVar aggregate classification (germline): Uncertain significance. Review status: criteria provided, multiple submitters, no conflicts (2 of 4 stars). 6 submissions from 6 submitters: Uncertain significance (4). 2 of the submissions do not count toward it. Last evaluated 2025-12-31.

Conditions:
Hereditary breast ovarian cancer syndrome. Also called: Hereditary breast and ovarian cancer syndrome; Hereditary breast and ovarian cancer; Hereditary breast and ovarian cancer syndrome (HBOC); Breast and ovarian cancer; Hereditary breast and/or ovarian cancer syndrome; BRCA1- and BRCA2-Associated Hereditary Breast and Ovarian Cancer. Identifiers: Orphanet 145, MedGen C0677776, MeSH D061325, MONDO:0003582. Disease mechanism: loss of function.
Hereditary cancer-predisposing syndrome. Also called: Neoplastic Syndromes, Hereditary; Tumor predisposition; Hereditary neoplastic syndrome; Hereditary Cancer Syndrome. Identifiers: Orphanet 140162, MedGen C0027672, MeSH D009386, MONDO:0015356.
Breast-ovarian cancer, familial, susceptibility to, 2 (BROVCA2). Also called: BRCA2 Hereditary Breast and Ovarian Cancer. Identifiers: Orphanet 145, MedGen C2675520, MONDO:0012933, OMIM 612555. Disease mechanism: loss of function.

Allele frequency attached by ClinVar (database versions not stated): TOPMed 0.00001.

Submissions (6):

Women's Health and Genetics/Laboratory Corporation of America, LabCorp
Classification: Uncertain significance. Last evaluated: 2025-12-31. Review status: criteria provided, single submitter. Criteria: LabCorp Variant Classification Summary - May 2015. Collection method: clinical testing. Allele origin: germline.
Comment: Variant summary: BRCA2 c.587G>A (p.Ser196Asn) results in a conservative amino acid change in the encoded protein sequence. Algorithms developed to predict the effect of missense changes on protein structure and function are either unavailable or do not agree on the potential impact of this missense change. The variant was absent in 251402 control chromosomes (gnomAD). The available data on variant occurrences in the general population are insufficient to allow any conclusion about variant significance. c.587G>A has been observed in an individual(s) affected with breast cancer without strong evidence of causality (Gaildrat_2012). This report does not provide unequivocal conclusions about association of the variant with Hereditary Breast And Ovarian Cancer Syndrome. At least one publication reports experimental evidence evaluating an impact on protein function. These results showed no damaging effect of this variant (Ehln_2020). The following publications have been ascertained in the context of this evaluation (PMID: 22962691, 32286328). ClinVar contains an entry for this variant (Variation ID: 51958). Based on the evidence outlined above, the variant was classified as uncertain significance.

Color Diagnostics, LLC DBA Color Health
Classification: Uncertain significance for Hereditary cancer-predisposing syndrome. Last evaluated: 2025-06-17. Review status: criteria provided, single submitter. Criteria: ACMG Guidelines, 2015. Collection method: clinical testing. Allele origin: germline.
Comment: This missense variant replaces serine with asparagine at codon 196 of the BRCA2 protein. Computational prediction suggests that this variant may not impact protein structure and function. Functional studies have shown that this variant causes a slight increase in exon 7 skipping in mini-gene assays (PMID: 22962691, 23983145). However, clinical relevance of this observation is not known. This variant was reported in an individual affected with bilateral breast cancer (PMID: 22962691). This variant has not been identified in the general population by the Genome Aggregation Database (gnomAD). The available evidence is insufficient to determine the role of this variant in disease conclusively. Therefore, this variant is classified as a Variant of Uncertain Significance.

Ambry Genetics
Classification: Uncertain significance for Hereditary cancer-predisposing syndrome. Last evaluated: 2024-08-21. Review status: criteria provided, single submitter. Criteria: Ambry Variant Classification Scheme 2023. Collection method: clinical testing. Allele origin: germline.
Comment: The p.S196N variant (also known as c.587G>A), located in coding exon 6 of the BRCA2 gene, results from a G to A substitution at nucleotide position 587. The serine at codon 196 is replaced by asparagine, an amino acid with highly similar properties. This alteration was shown to cause slightly increased exon skipping (25% and 28%) compared to wild type in splicing mini gene assays (Gaildrat P. J. Med. Genet.. 2012 Oct;49(10):609-17; Di Giacomo D et al. Hum Mutat, 2013 Nov;34:1547-57). This amino acid position is highly conserved in available vertebrate species. In addition, this alteration is predicted to be tolerated by in silico analysis. Based on the available evidence, the clinical significance of this variant remains unclear.

Labcorp Genetics (formerly Invitae), Labcorp
Classification: Uncertain significance for Hereditary breast ovarian cancer syndrome. Last evaluated: 2024-04-04. Review status: criteria provided, single submitter. Criteria: Invitae Variant Classification Sherloc (09022015). Collection method: clinical testing. Allele origin: germline.
Comment: This sequence change replaces serine, which is neutral and polar, with asparagine, which is neutral and polar, at codon 196 of the BRCA2 protein (p.Ser196Asn). This variant is not present in population databases (gnomAD no frequency). This missense change has been observed in individual(s) with breast cancer (PMID: 22962691). ClinVar contains an entry for this variant (Variation ID: 51958). Advanced modeling of protein sequence and biophysical properties (such as structural, functional, and spatial information, amino acid conservation, physicochemical variation, residue mobility, and thermodynamic stability) performed at Invitae indicates that this missense variant is not expected to disrupt BRCA2 protein function with a negative predictive value of 95%. Experimental studies have shown that this missense change does not substantially affect BRCA2 function (PMID: 32286328). In summary, the available evidence is currently insufficient to determine the role of this variant in disease. Therefore, it has been classified as a Variant of Uncertain Significance.

Sharing Clinical Reports Project (SCRP)
Classification: Uncertain significance for Breast-ovarian cancer, familial 2. Last evaluated: 2012-03-16. Review status: no assertion criteria provided. Collection method: clinical testing. Allele origin: germline. Not counted in ClinVar's aggregate classification.

Breast Cancer Information Core (BIC) (BRCA2)
Classification: Uncertain significance for Breast-ovarian cancer, familial 2. Last evaluated: 2004-02-20. Review status: no assertion criteria provided. Collection method: clinical testing. Allele origin: germline. Affected: yes. Observed: 1 variant allele. Not counted in ClinVar's aggregate classification.

Literature cited by the submitters: PubMed 22962691 (cited by 4 submitters); PubMed 32286328 (cited by Women's Health and Genetics/Laboratory Corporation of America, LabCorp and Labcorp Genetics (formerly Invitae), Labcorp); PubMed 23983145 (cited by Color Diagnostics, LLC DBA Color Health and Ambry Genetics).

NM_000059.4(BRCA2):c.587G>A (p.Ser196Asn)

Gene: BRCA2 (BRCA2 DNA repair associated; plus strand). Cytogenetic location: 13q13.1.
Variant type: single nucleotide variant.
Coding change: c.587G>A on transcript NM_000059.4 (MANE Select); coding-DNA position 587, G replaced by A.
Protein change: p.Ser196Asn; replaces serine 196 with asparagine.
Molecular consequence: missense variant.
Genome position (GRCh38, 1-based): chr13:32,326,569, G>A. VCF-style: chr13-32326569-G-A. GRCh37 (hg19) VCF-style: chr13-32900706-G-A.
Other names: 815G>A; short protein forms S196N.
Identifiers: ClinVar variation 51958 (VCV000051958.17), dbSNP rs80358818, ClinGen allele CA023330.